The following is an entry in ClinVar:

NM_001103.4(ACTN2):c.2139G>A (p.Thr713=)

Gene: ACTN2 (actinin alpha 2; plus strand). Cytogenetic location: 1q43.
Variant type: single nucleotide variant.
Coding change: c.2139G>A on transcript NM_001103.4 (MANE Select); coding-DNA position 2139, G replaced by A.
Protein change: p.Thr713=; no amino-acid change (threonine 713 retained).
Molecular consequence: synonymous variant.
Genome position (GRCh38, 1-based): chr1:236,755,183, G>A. VCF-style: chr1-236755183-G-A. GRCh37 (hg19) VCF-style: chr1-236918483-G-A.
Other names: p.T713T:ACG>ACA; p.Thr713=; c.2139G>A, p.Thr713= (NM_001278343.2); c.1515G>A, p.Thr505= (NM_001278344.2).
Identifiers: ClinVar variation 35649 (VCV000035649.34), dbSNP rs34975493, ClinGen allele CA133170.

ClinVar aggregate classification (germline): Benign/Likely benign. Review status: criteria provided, multiple submitters, no conflicts (2 of 4 stars). 12 submissions from 12 submitters: Benign (8); Likely benign (1). 3 of the submissions do not count toward it. Last evaluated 2026-02-04.

Conditions:
Cardiovascular phenotype. Identifiers: MedGen CN230736.
Primary familial hypertrophic cardiomyopathy (HCM). Identifiers: Orphanet 99739, MedGen C0949658, MeSH D024741, MONDO:0024573. Inheritance: Various modes of inheritance.
Dilated cardiomyopathy 1AA (CMD1AA). Also called: CARDIOMYOPATHY, DILATED, 1AA, WITH OR WITHOUT LEFT VENTRICULAR NONCOMPACTION; CARDIOMYOPATHY, FAMILIAL HYPERTROPHIC, 23, WITH OR WITHOUT LEFT VENTRICULAR NONCOMPACTION; Cardiomyopathy, dilated, 1AA, with or without LVNC. Identifiers: Orphanet 154, MedGen C2677338, MONDO:0012808, OMIM 612158.
Cardiomyopathy (CMYO). Also called: Cardiomyopathies. Identifiers: Orphanet 167848, MedGen C0878544, MONDO:0004994, HP:0001638. Inheritance: Various modes of inheritance.

Allele frequency attached by ClinVar (database versions not stated): gnomAD 0.03228 and 0.03463; TOPMed 0.03707; 1000 Genomes Project 30x 0.03748; ESP Exome Variant Server 0.03268; 1000 Genomes Project 0.03654.
gnomAD v4.1: 9,697 of 1,614,082 alleles (0.6%); highest among the groups gnomAD compares: African/African-American, 12%; 524 homozygotes.

Submissions (12):

Labcorp Genetics (formerly Invitae), Labcorp
Classification: Benign for Primary familial hypertrophic cardiomyopathy; Dilated cardiomyopathy 1AA. Last evaluated: 2026-02-04. Review status: criteria provided, single submitter. Criteria: Invitae Variant Classification Sherloc (09022015). Collection method: clinical testing. Allele origin: germline.

Molecular Diagnostic Laboratory for Inherited Cardiovascular Disease, Montreal Heart Institute
Classification: Benign. Last evaluated: 2025-04-09. Review status: criteria provided, single submitter. Criteria: ACMG Guidelines, 2015. Collection method: clinical testing. Allele origin: germline. Affected: no.

Ambry Genetics
Classification: Benign for Cardiovascular phenotype. Last evaluated: 2015-07-14. Review status: criteria provided, single submitter. Criteria: Ambry Variant Classification Scheme 2023. Collection method: clinical testing. Allele origin: germline.

Mayo Clinic Laboratories, Mayo Clinic
Classification: Benign. Last evaluated: 2014-05-08. Review status: criteria provided, single submitter. Criteria: ACMG Guidelines, 2015. Collection method: clinical testing. Allele origin: germline. Observed: 40 variant alleles.

GeneDx
Classification: Benign. Last evaluated: 2012-12-06. Review status: criteria provided, single submitter. Criteria: GeneDx Variant Classification (06012015). Collection method: clinical testing. Allele origin: germline. Affected: yes.
Comment: This variant is considered likely benign or benign based on one or more of the following criteria: it is a conservative change, it occurs at a poorly conserved position in the protein, it is predicted to be benign by multiple in silico algorithms, and/or has population frequency not consistent with disease.

Women's Health and Genetics/Laboratory Corporation of America, LabCorp
Classification: Benign for Cardiomyopathy. Last evaluated: 2011-08-18. Review status: criteria provided, single submitter. Criteria: LabCorp Variant Classification Summary - May 2015. Collection method: clinical testing. Allele origin: not applicable. Inheritance: autosomal unknown.
ClinVar note: Converted during submission from benign to Benign.

Laboratory for Molecular Medicine, Mass General Brigham Personalized Medicine
Classification: Benign. Last evaluated: 2009-06-02. Review status: criteria provided, single submitter. Criteria: LMM Criteria. Collection method: clinical testing. Allele origin: germline. Observed: 108 variant alleles.

Breakthrough Genomics
Classification: Likely benign. Review status: criteria provided, single submitter. Criteria: ACMG Guidelines, 2015. Collection method: not provided. Allele origin: germline. Inheritance: Autosomal dominant inheritance. Affected: yes.

PreventionGenetics, part of Exact Sciences
Classification: Benign. Review status: criteria provided, single submitter. Criteria: ACMG Guidelines, 2015. Collection method: clinical testing. Allele origin: germline.

Clinical Genetics DNA and cytogenetics Diagnostics Lab, Erasmus MC, Erasmus Medical Center
Classification: Benign. Review status: no assertion criteria provided. Collection method: clinical testing. Allele origin: germline. Affected: yes. Study: VKGL Data-share Consensus. Not counted in ClinVar's aggregate classification.

Clinical Genetics, Academic Medical Center
Classification: Benign. Review status: no assertion criteria provided. Collection method: clinical testing. Allele origin: germline. Affected: yes. Study: VKGL Data-share Consensus. Not counted in ClinVar's aggregate classification.

Joint Genome Diagnostic Labs from Nijmegen and Maastricht, Radboudumc and MUMC+
Classification: Benign. Review status: no assertion criteria provided. Collection method: clinical testing. Allele origin: germline. Affected: yes. Study: VKGL Data-share Consensus. Not counted in ClinVar's aggregate classification.

Literature cited by the submitters: PubMed 20022194 (cited by Women's Health and Genetics/Laboratory Corporation of America, LabCorp).